The following is an entry in ClinVar:

NM_000245.4(MET):c.1569C>G (p.Phe523Leu)

Gene: MET (MET proto-oncogene, receptor tyrosine kinase; plus strand). Cytogenetic location: 7q31.2.
Variant type: single nucleotide variant.
Coding change: c.1569C>G on transcript NM_000245.4 (MANE Select); coding-DNA position 1569, C replaced by G.
Protein change: p.Phe523Leu; replaces phenylalanine 523 with leucine.
Molecular consequence: missense variant.
Genome position (GRCh38, 1-based): chr7:116,740,893, C>G. VCF-style: chr7-116740893-C-G. GRCh37 (hg19) VCF-style: chr7-116380947-C-G.
Other names: c.1569C>G, p.Phe523Leu (NM_001127500.3, NM_001324401.3); c.279C>G, p.Phe93Leu (NM_001324402.2); short protein forms F93L, F523L.
Identifiers: ClinVar variation 2853789 (VCV002853789.3), dbSNP rs1329886933, ClinGen allele CA368975157.
Genomic context (GRCh38, chr7:116,740,893, plus strand): 5'-CCACCCCTTCTCTTCACAGATCACGAAGATCCCATTGAATGGCTTGGGCTGCAGACATTT[C>G]CAGTCCTGCAGTCAATGCCTCTCTGCCCCACCCTTTGTTCAGTGTGGCTGGTGCCACGAC-3'
Protein context (NP_000236.2, residues 513-533): IPLNGLGCRH[Phe523Leu]QSCSQCLSAP

ClinVar aggregate classification (germline): Uncertain significance (1 of 4 stars; one submission).

Conditions:
Renal cell carcinoma. Identifiers: Orphanet 217071, MedGen C0007134, MeSH D002292, MONDO:0005086, HP:0005584.

Submission:

Labcorp Genetics (formerly Invitae), Labcorp
Classification: Uncertain significance for Renal cell carcinoma. Last evaluated: 2023-04-11. Review status: criteria provided, single submitter. Criteria: Invitae Variant Classification Sherloc (09022015). Collection method: clinical testing. Allele origin: germline.
Comment: In summary, the available evidence is currently insufficient to determine the role of this variant in disease. Therefore, it has been classified as a Variant of Uncertain Significance. Advanced modeling of protein sequence and biophysical properties (such as structural, functional, and spatial information, amino acid conservation, physicochemical variation, residue mobility, and thermodynamic stability) performed at Invitae indicates that this missense variant is not expected to disrupt MET protein function. This variant has not been reported in the literature in individuals affected with MET-related conditions. This variant is not present in population databases (gnomAD no frequency). This sequence change replaces phenylalanine, which is neutral and non-polar, with leucine, which is neutral and non-polar, at codon 523 of the MET protein (p.Phe523Leu).